The following is an entry in ClinVar:

NM_001270.4(CHD1):c.4008T>G (p.Ala1336=)

Gene: CHD1 (chromodomain helicase DNA binding protein 1; minus strand). Cytogenetic location: 5q15.
Variant type: single nucleotide variant.
Coding change: c.4008T>G on transcript NM_001270.4 (MANE Select); coding-DNA position 4008, T replaced by G.
Protein change: p.Ala1336=; no amino-acid change (alanine 1336 retained).
Molecular consequence: synonymous variant. On other transcripts: non-coding transcript variant (2).
Genome position (GRCh38, 1-based): chr5:98,869,853, A>C on the plus strand (T>G on the coding strand, the complement: CHD1 is on the minus strand). VCF-style: chr5-98869853-A-C. GRCh37 (hg19) VCF-style: chr5-98205557-A-C.
Other names: c.4008T>G, p.Ala1336= (NM_001364113.3, NM_001376194.2).
Identifiers: ClinVar variation 3053862 (VCV003053862.2), dbSNP rs202123710, ClinGen allele CA3355798.

ClinVar aggregate classification (germline): Likely benign (0 of 4 stars; one submission).

Conditions:
CHD1-related disorder. Also called: CHD1-related condition.

Allele frequency attached by ClinVar (database versions not stated): TOPMed 0.00005; gnomAD 0.00009; ExAC 0.00012; 1000 Genomes Project 0.00060; 1000 Genomes Project 30x 0.00062.
gnomAD v4.1: 35 of 1,606,788 alleles (0.0022%); highest among the groups gnomAD compares: East Asian, 0.076%; no homozygotes.

Submission:

PreventionGenetics, part of Exact Sciences
Classification: Likely benign for CHD1-related condition. Last evaluated: 2019-08-29. Review status: no assertion criteria provided. Collection method: clinical testing. Allele origin: germline.
Comment: This variant is classified as likely benign based on ACMG/AMP sequence variant interpretation guidelines (Richards et al. 2015 PMID: 25741868, with internal and published modifications).